The following is an entry in ClinVar:

NM_020911.2(PLXNA4):c.1183A>G (p.Ser395Gly)

Gene: PLXNA4 (plexin A4; minus strand). Cytogenetic location: 7q32.3.
Variant type: single nucleotide variant.
Coding change: c.1183A>G on transcript NM_020911.2 (MANE Select); coding-DNA position 1183, A replaced by G.
Protein change: p.Ser395Gly; replaces serine 395 with glycine.
Molecular consequence: missense variant.
Genome position (GRCh38, 1-based): chr7:132,507,511, T>C on the plus strand (A>G on the coding strand, the complement: PLXNA4 is on the minus strand). VCF-style: chr7-132507511-T-C. GRCh37 (hg19) VCF-style: chr7-132192270-T-C.
Other names: c.1183A>G, p.Ser395Gly (NM_001105543.2, NM_001393897.1, NM_181775.4); short protein forms S395G.
Identifiers: ClinVar variation 3350247 (VCV003350247.1).

ClinVar aggregate classification (germline): Uncertain significance (0 of 4 stars; one submission).

Conditions:
PLXNA4-related disorder. Also called: PLXNA4-related condition.

gnomAD v4.1: 8 of 1,609,754 alleles (0.0005%); highest among the groups gnomAD compares: Middle Eastern, 0.017%; no homozygotes.

Submission:

PreventionGenetics, part of Exact Sciences
Classification: Uncertain significance for PLXNA4-related condition. Last evaluated: 2024-03-14. Review status: no assertion criteria provided. Collection method: clinical testing. Allele origin: germline.
Comment: The PLXNA4 c.1183A>G variant is predicted to result in the amino acid substitution p.Ser395Gly. To our knowledge, this variant has not been reported in the literature. This variant is reported in 0.00091% of alleles in individuals of European (Non-Finnish) descent in gnomAD. At this time, the clinical significance of this variant is uncertain due to the absence of conclusive functional and genetic evidence.